The following is an entry in ClinVar:

NM_032447.5(FBN3):c.5377C>T (p.Arg1793Ter)

Gene: FBN3 (fibrillin 3; minus strand). Cytogenetic location: 19p13.2.
Variant type: single nucleotide variant.
Coding change: c.5377C>T on transcript NM_032447.5 (MANE Select); coding-DNA position 5377, C replaced by T.
Protein change: p.Arg1793Ter; replaces arginine 1793 with a stop codon.
Molecular consequence: nonsense.
Genome position (GRCh38, 1-based): chr19:8,096,917, G>A on the plus strand (C>T on the coding strand, the complement: FBN3 is on the minus strand). VCF-style: chr19-8096917-G-A. GRCh37 (hg19) VCF-style: chr19-8161801-G-A.
Other names: c.5377C>T, p.Arg1793Ter (NM_001321431.2); short protein forms R1793*.
Identifiers: ClinVar variation 4752077 (VCV004752077.1).

ClinVar aggregate classification (germline): Uncertain significance (1 of 4 stars; one submission).

gnomAD v4.1: 20 of 1,613,608 alleles (0.0012%); highest among the groups gnomAD compares: Middle Eastern, 0.016%; no homozygotes.

Submission:

Labcorp Genetics (formerly Invitae), Labcorp
Classification: Uncertain significance. Last evaluated: 2025-03-31. Review status: criteria provided, single submitter. Criteria: Invitae Variant Classification Sherloc (09022015). Collection method: clinical testing. Allele origin: germline.
Comment: This sequence change creates a premature translational stop signal (p.Arg1793*) in the FBN3 gene. It is expected to result in an absent or disrupted protein product. However, the current clinical and genetic evidence is not sufficient to establish whether loss-of-function variants in FBN3 cause disease. This variant is present in population databases (rs765855010, gnomAD 0.01%). This variant has not been reported in the literature in individuals affected with FBN3-related conditions. Algorithms developed to predict the effect of sequence changes on RNA splicing suggest that this variant may disrupt the consensus splice site. In summary, the available evidence is currently insufficient to determine the role of this variant in disease. Therefore, it has been classified as a Variant of Uncertain Significance.